The following is an entry in ClinVar:

ClinVar aggregate classification (germline): Uncertain significance (1 of 4 stars; one submission).

Conditions:
Werner syndrome (WRN). Identifiers: Orphanet 902, MedGen C0043119, MONDO:0010196, OMIM 277700.

Allele frequency attached by ClinVar (database versions not stated): gnomAD 0.00016 and 0.00017; TOPMed 0.00018.
gnomAD v4.1: 25 of 152,328 alleles (0.016%); highest among the groups gnomAD compares: Non-Finnish European, 0.028%; no homozygotes.

Submission:

Labcorp Genetics (formerly Invitae), Labcorp
Classification: Uncertain significance for Werner syndrome. Last evaluated: 2025-01-23. Review status: criteria provided, single submitter. Criteria: Invitae Variant Classification Sherloc (09022015). Collection method: clinical testing. Allele origin: germline.
Comment: This sequence change falls in intron 31 of the WRN gene. It does not directly change the encoded amino acid sequence of the WRN protein. RNA analysis indicates that this variant induces altered splicing and may result in an absent or altered protein product. This variant is present in population databases (rs772689996, gnomAD 0.007%). This variant has not been reported in the literature in individuals affected with WRN-related conditions. ClinVar contains an entry for this variant (Variation ID: 1391488). Studies have shown that this variant results in activation of several cryptic splice sites between exons 31 and 32, and produces a non-functional protein and/or introduces a premature termination codon (internal data). In summary, the available evidence is currently insufficient to determine the role of this variant in disease. Therefore, it has been classified as a Variant of Uncertain Significance.

NM_000553.6(WRN):c.3687+931A>G

Gene: WRN (WRN RecQ like helicase; plus strand). Cytogenetic location: 8p12.
Variant type: single nucleotide variant.
Coding change: c.3687+931A>G on transcript NM_000553.6 (MANE Select); 931 bases into the intron after coding-DNA position 3687, A replaced by G.
Molecular consequence: intron variant.
Genome position (GRCh38, 1-based): chr8:31,151,386, A>G. VCF-style: chr8-31151386-A-G. GRCh37 (hg19) VCF-style: chr8-31008902-A-G.
Identifiers: ClinVar variation 1391488 (VCV001391488.5), dbSNP rs772689996, ClinGen allele CA174908898.
Genomic context (GRCh38, chr8:31,151,386, plus strand): 5'-CTCCTGGAAGCTTTGGGCAGGCACAGTTGGATCCTACTTTAGAAAAATCTTTCTCTAACT[A>G]TAAGTAGAAAACCCTTCTGCTTTTTGAATGTAGCATTTCCCTCTTTTGATATAGAGTATC-3'